The following is an entry in ClinVar:

NM_000023.4(SGCA):c.402C>G (p.Tyr134Ter)

Gene: SGCA (sarcoglycan alpha; plus strand). Cytogenetic location: 17q21.33.
Variant type: single nucleotide variant.
Coding change: c.402C>G on transcript NM_000023.4 (MANE Select); coding-DNA position 402, C replaced by G.
Protein change: p.Tyr134Ter; replaces tyrosine 134 with a stop codon.
Molecular consequence: nonsense. On other transcripts: non-coding transcript variant (1).
Genome position (GRCh38, 1-based): chr17:50,168,390, C>G. VCF-style: chr17-50168390-C-G. GRCh37 (hg19) VCF-style: chr17-48245751-C-G.
Other names: NM_000023.4(SGCA):c.402C>G; p.Tyr134Ter; c.402C>G, p.Tyr134Ter (NM_001135697.3); c.402C>G (NM_000023.3); short protein forms Y134*.
Identifiers: ClinVar variation 284945 (VCV000284945.28), dbSNP rs780264754, ClinGen allele CA8643795.
Genomic context (GRCh38, chr17:50,168,390, plus strand): 5'-GCTGGGGCTGGGTGCAGCCTGAGGTGTCCACCTGGCCTTCCCAGGCCCCCTGCTGCCATA[C>G]CAAGCCGAGTTCCTGGTGCGCAGCCACGATGCGGAGGAGGTGCTGCCCTCAACACCTGCC-3'

ClinVar aggregate classification (germline): Pathogenic. Review status: reviewed by expert panel (3 of 4 stars). 10 submissions from 10 submitters: Pathogenic (1). 9 of the submissions do not count toward it. Last evaluated 2025-11-11.

Conditions:
Autosomal recessive limb-girdle muscular dystrophy type 2D (LGMDR3). Also called: DUCHENNE-LIKE AUTOSOMAL RECESSIVE MUSCULAR DYSTROPHY, TYPE 2; ADHALINOPATHY, PRIMARY; MUSCULAR DYSTROPHY, LIMB-GIRDLE, AUTOSOMAL RECESSIVE 3. Identifiers: Orphanet 62, MedGen C2936332, MONDO:0011968, OMIM 608099. Disease mechanism: Affects gamma-sarcoglycan and also disrupts the integrity of the entire sarcoglycan complex..
SGCA-related disorder. Also called: SGCA-related condition.
Autosomal recessive limb-girdle muscular dystrophy. Identifiers: Orphanet 102015, MedGen C2931907, MONDO:0015152.

Allele frequency attached by ClinVar (database versions not stated): TOPMed 0.00001.
gnomAD v4.1: 5 of 1,582,398 alleles (0.00032%); highest among the groups gnomAD compares: Non-Finnish European, 0.00043%; no homozygotes.

Submissions (10):

ClinGen Limb Girdle Muscular Dystrophy Variant Curation Expert Panel, ClinGen
Classification: Pathogenic for Autosomal recessive limb-girdle muscular dystrophy. Last evaluated: 2025-11-11. Review status: reviewed by expert panel. Criteria: ClinGen LGMD VCEP ACMG Specifications SGCA V2.0.0. Collection method: curation. Allele origin: germline. Inheritance: Autosomal recessive inheritance.
Comment: The NM_000023.4: c.402C>G p.(Tyr134Ter) variant in SGCA is a nonsense variant predicted to cause a premature stop codon in biologically relevant exon 5/10, leading to nonsense mediated decay in a gene in which loss of function is an established disease mechanism (PVS1). This variant has been detected in a heterozygous state in at least four individuals with limb girdle muscular dystrophy (PMID: 37526466, 38876406, 30919934). Of those individuals, three were also heterozygous for a pathogenic SGCA variant in unconfirmed phase (c.739G>A p.(Val247Met), 0.5 pts, PMID: 37526466; c.229C>T p.(Arg77Cys), 0.5 pts, PMID: 38876406; c.850C>T p.(Arg284Cys), 0.5 pts, PMID: 38876406) (PM3). At least one individual with this variant and a second presumed diagnostic SGCA variant displayed progressive limb girdle muscle weakness or had a clinical suspicion of LGMD (PP4, PMID: 38876406). The upper bound of the 95% confidence interval of the Grpmax variant allele frequency in gnomAD v4.1.0 is 0.000009028 (5/1164486 European (non-Finnish) alleles), which is lower than the ClinGen LGMD VCEP threshold (<0.00009) for PM2_Supporting, and therefore meets this criterion (PM2_Supporting). In summary, this variant meets the criteria to be classified as Pathogenic for autosomal recessive limb girdle muscular dystrophy based on the ACMG/AMP criteria applied, as specified by the ClinGen LGMD VCEP (LGMD VCEP specifications version 2.0.0; 11/11/2025): PVS1, PM3, PP4, PM2_Supporting.

Natera, Inc.
Classification: Pathogenic for Limb-girdle muscular dystrophy type 2D. Last evaluated: 2025-12-17. Review status: criteria provided, single submitter. Criteria: Natera Variant Classification Schema (03/2026). Collection method: clinical testing. Allele origin: germline. Not counted in ClinVar's aggregate classification.
Comment: The c.402C>G variant in SGCA is a nonsense variant predicted to introduce a stop codon at amino acid 134. This variant is expected to result in nonsense mediated decay, truncation, or a dysfunctional protein product. This variant is rare in the general population with a frequency below the threshold expected for the associated phenotype(s). This variant has been observed in one or more individuals affected with the associated recessive disease, as either homozygous or compound heterozygous with a second variant (PMID: 33386810). Given the available evidence, this variant is classified as Pathogenic.

Labcorp Genetics (formerly Invitae), Labcorp
Classification: Pathogenic for Autosomal recessive limb-girdle muscular dystrophy type 2D. Last evaluated: 2025-07-20. Review status: criteria provided, single submitter. Criteria: Invitae Variant Classification Sherloc (09022015). Collection method: clinical testing. Allele origin: germline. Not counted in ClinVar's aggregate classification.
Comment: This sequence change creates a premature translational stop signal (p.Tyr134*) in the SGCA gene. It is expected to result in an absent or disrupted protein product. Loss-of-function variants in SGCA are known to be pathogenic (PMID: 9192266). This variant is not present in population databases (gnomAD no frequency). This premature translational stop signal has been observed in individual(s) with Limb-Girdle muscular dystrophy (PMID: 11475588). ClinVar contains an entry for this variant (Variation ID: 284945). For these reasons, this variant has been classified as Pathogenic.

Institute of Human Genetics, University of Leipzig Medical Center
Classification: Pathogenic for Autosomal recessive limb-girdle muscular dystrophy type 2D. Last evaluated: 2025-04-08. Review status: criteria provided, single submitter. Criteria: ACMG Guidelines, 2015. Collection method: clinical testing. Allele origin: unknown. Inheritance: Autosomal recessive inheritance. Affected: yes. Not counted in ClinVar's aggregate classification.
Comment: Criteria applied: PVS1,PM3,PM2_SUP

Blueprint Genetics
Classification: Pathogenic for SGCA-related disorders. Last evaluated: 2024-11-15. Review status: criteria provided, single submitter. Criteria: ACMG Guidelines, 2015. Collection method: clinical testing. Allele origin: germline. Affected: yes. Observed: 2 variant alleles. Not counted in ClinVar's aggregate classification.

GeneDx
Classification: Likely pathogenic. Last evaluated: 2024-05-04. Review status: criteria provided, single submitter. Criteria: GeneDx Variant Classification Process June 2021. Collection method: clinical testing. Allele origin: germline. Affected: yes. Not counted in ClinVar's aggregate classification.
Comment: Reported in individuals with limb girdle muscular dystrophy who harbored a second pathogenic SGCA variant in unknown phase (PMID: 11475588, 30919934, 37526466, 33386810); Nonsense variant predicted to result in protein truncation or nonsense mediated decay in a gene for which loss of function is a known mechanism of disease; Not observed at significant frequency in large population cohorts (gnomAD); This variant is associated with the following publications: (PMID: 25525159, 33386810, 11475588, 30919934, 37526466)

Revvity Omics, Revvity
Classification: Pathogenic for Autosomal recessive limb-girdle muscular dystrophy type 2D. Last evaluated: 2023-04-28. Review status: criteria provided, single submitter. Criteria: ACMG Guidelines, 2015. Collection method: clinical testing. Allele origin: germline. Not counted in ClinVar's aggregate classification.

Baylor Genetics
Classification: Pathogenic for Autosomal recessive limb-girdle muscular dystrophy type 2D. Last evaluated: 2021-11-09. Review status: criteria provided, single submitter. Criteria: ACMG Guidelines, 2015. Collection method: clinical testing. Allele origin: unknown. Not counted in ClinVar's aggregate classification.

Eurofins Ntd Llc (ga)
Classification: Pathogenic. Last evaluated: 2015-12-08. Review status: criteria provided, single submitter. Criteria: EGL Classification Definitions 2015. Collection method: clinical testing. Allele origin: germline. Observed: 1 variant allele, 1 heterozygote. Not counted in ClinVar's aggregate classification.

Counsyl
Classification: Likely pathogenic for Autosomal recessive limb-girdle muscular dystrophy type 2D. Last evaluated: 2017-06-13. Review status: no assertion criteria provided. Collection method: clinical testing. Allele origin: unknown. Not counted in ClinVar's aggregate classification.

Literature cited by the submitters: PubMed 33386810 (cited by Natera, Inc.); PubMed 9192266 (cited by Labcorp Genetics (formerly Invitae), Labcorp); PubMed 11475588 (cited by Labcorp Genetics (formerly Invitae), Labcorp and Counsyl).